The following is an entry in ClinVar:

NM_001035.3(RYR2):c.9450-9C>T

Gene: RYR2 (ryanodine receptor 2; plus strand). Cytogenetic location: 1q43.
Variant type: single nucleotide variant.
Coding change: c.9450-9C>T on transcript NM_001035.3 (MANE Select); 9 bases into the intron before coding-DNA position 9450, C replaced by T.
Molecular consequence: intron variant.
Genome position (GRCh38, 1-based): chr1:237,705,204, C>T. VCF-style: chr1-237705204-C-T. GRCh37 (hg19) VCF-style: chr1-237868504-C-T.
Other names: c.9450-9C>T (LRG_402t1).
Identifiers: ClinVar variation 404191 (VCV000404191.17), dbSNP rs752779628, ClinGen allele CA087904.
Genomic context (GRCh38, chr1:237,705,204, plus strand): 5'-TAATTGTAATATGACTTTTTTAGTTACTCACTTGGAAGACCTTAAAACATAAGCATTTTC[C>T]ACTTATAGGCAACGTTCTGCATTAGGAGAATGTCTAGCTGCCTTTGCTGGTGCTTTTCCT-3'

ClinVar aggregate classification (germline): Likely benign. Review status: criteria provided, multiple submitters, no conflicts (2 of 4 stars). 4 submissions from 4 submitters: Likely benign (4). Last evaluated 2025-10-04.

Conditions:
Catecholaminergic polymorphic ventricular tachycardia (CVPT). Also called: Catecholamine-induced polymorphic ventricular tachycardia. Identifiers: Orphanet 3286, MedGen C5574922, MONDO:0017990.
Cardiomyopathy (CMYO). Also called: Cardiomyopathies. Identifiers: Orphanet 167848, MedGen C0878544, MONDO:0004994, HP:0001638. Inheritance: Various modes of inheritance.
Catecholaminergic polymorphic ventricular tachycardia 1. Also called: RYR2-Related Catecholaminergic Polymorphic Ventricular Tachycardia; VENTRICULAR TACHYCARDIA, CATECHOLAMINERGIC POLYMORPHIC, 1, WITH OR WITHOUT ATRIAL DYSFUNCTION AND/OR DILATED CARDIOMYOPATHY; VENTRICULAR TACHYCARDIA, STRESS-INDUCED POLYMORPHIC 1. Identifiers: Orphanet 3286, MedGen C1631597, MONDO:0011484, OMIM 604772.

Allele frequency attached by ClinVar (database versions not stated): gnomAD exomes 0.00004; gnomAD 0.00006 and 0.00007; ExAC 0.00007; TOPMed 0.00007.
gnomAD v4.1: 48 of 1,604,054 alleles (0.003%); highest among the groups gnomAD compares: Middle Eastern, 0.016%; no homozygotes.

Submissions (4):

Labcorp Genetics (formerly Invitae), Labcorp
Classification: Likely benign for Catecholaminergic polymorphic ventricular tachycardia 1. Last evaluated: 2025-10-04. Review status: criteria provided, single submitter. Criteria: Invitae Variant Classification Sherloc (09022015). Collection method: clinical testing. Allele origin: germline.

All of Us Research Program, National Institutes of Health
Classification: Likely benign for Catecholaminergic polymorphic ventricular tachycardia. Last evaluated: 2023-12-01. Review status: criteria provided, single submitter. Criteria: ACMG Guidelines, 2015. Collection method: clinical testing. Allele origin: germline. Inheritance: Autosomal dominant inheritance. Observed: 9 variant alleles, 9 heterozygotes.
Comment: This study involves interpretation of variants in research participants for the purpose of population health screening. Participant phenotype was not available at the time of variant classification. Additional details can be found in publication PMID: 35346344, PMCID: PMC8962531

Blueprint Genetics
Classification: Likely benign. Last evaluated: 2022-10-12. Review status: criteria provided, single submitter. Criteria: ACMG Guidelines, 2015. Collection method: clinical testing. Allele origin: germline.

Color Diagnostics, LLC DBA Color Health
Classification: Likely benign for Cardiomyopathy. Last evaluated: 2018-11-14. Review status: criteria provided, single submitter. Criteria: ACMG Guidelines, 2015. Collection method: clinical testing. Allele origin: germline.